The following is an entry in ClinVar:

ClinVar aggregate classification (germline): Uncertain significance (1 of 4 stars; one submission).

Conditions:
PCNT-related disorder. Also called: PCNT-related condition.

gnomAD v4.1: 1 of 1,614,144 alleles (0.000062%); highest among the groups gnomAD compares: Non-Finnish European, 0.000085%; no homozygotes.

Submission:

PreventionGenetics, part of Exact Sciences
Classification: Uncertain significance for PCNT-related condition. Last evaluated: 2025-10-01. Review status: criteria provided, single submitter. Criteria: ACMG Guidelines, 2015. Collection method: clinical testing. Allele origin: germline.
Comment: The PCNT c.2890C>T variant is predicted to result in the amino acid substitution p.His964Tyr. To our knowledge, this variant has not been reported in the literature or in a large population database (gnomAD), indicating this variant is rare. At this time, the clinical significance of this variant is uncertain due to the absence of conclusive functional and genetic evidence.

NM_006031.6(PCNT):c.2890C>T (p.His964Tyr)

Gene: PCNT (pericentrin; plus strand). Cytogenetic location: 21q22.3.
Variant type: single nucleotide variant.
Coding change: c.2890C>T on transcript NM_006031.6 (MANE Select); coding-DNA position 2890, C replaced by T.
Protein change: p.His964Tyr; replaces histidine 964 with tyrosine.
Molecular consequence: missense variant.
Genome position (GRCh38, 1-based): chr21:46,366,864, C>T. VCF-style: chr21-46366864-C-T. GRCh37 (hg19) VCF-style: chr21-47786779-C-T.
Other names: c.2536C>T, p.His846Tyr (NM_001315529.2); short protein forms H964Y, H846Y.
Identifiers: ClinVar variation 4994034 (VCV004994034.1).
Genomic context (GRCh38, chr21:46,366,864, plus strand): 5'-GCACGTGTGGCCGAACTGCAGACAAAACACGCTGCCGACCTCGGCGCTCTGGAGACCAGA[C>T]ATCTGTCCAGCCTTGATTCTTTGGAATCCTGTTACCTCTCTGAATTTCAGACCATCCGTG-3'
Protein context (NP_006022.3, residues 954-974): AADLGALETR[His964Tyr]LSSLDSLESC